The following is an entry in ClinVar:

NM_001035.3(RYR2):c.5917-71_5927del

Gene: RYR2 (ryanodine receptor 2; plus strand). Cytogenetic location: 1q43.
Variant type: Deletion.
Coding change: c.5917-71_5927del on transcript NM_001035.3 (MANE Select); 71 bases into the intron before coding-DNA position 5917 through coding-DNA position 5927, 82 bases deleted.
Molecular consequence: splice acceptor variant.
Genome position (GRCh38, 1-based): chr1:237,623,694-237,623,775, 82 bases deleted. GRCh37 (hg19): chr1:237,786,994-237,787,075.
Identifiers: ClinVar variation 4871848 (VCV004871848.1).

ClinVar aggregate classification (germline): Uncertain significance (1 of 4 stars; one submission).

Conditions:
Catecholaminergic polymorphic ventricular tachycardia 1. Also called: VENTRICULAR TACHYCARDIA, CATECHOLAMINERGIC POLYMORPHIC, 1, WITH OR WITHOUT ATRIAL DYSFUNCTION AND/OR DILATED CARDIOMYOPATHY; RYR2-Related Catecholaminergic Polymorphic Ventricular Tachycardia; VENTRICULAR TACHYCARDIA, STRESS-INDUCED POLYMORPHIC 1. Identifiers: Orphanet 3286, MedGen C1631597, MONDO:0011484, OMIM 604772.

Submission:

KardioGenetik, Herz- und Diabeteszentrum NRW
Classification: Uncertain significance for Catecholaminergic polymorphic ventricular tachycardia 1. Last evaluated: 2026-05-05. Review status: criteria provided, single submitter. Criteria: ACMG Guidelines, 2015. Collection method: clinical testing. Allele origin: unknown. Observed: 1 variant allele.
Comment: The variant has not been reported in databases or the literature. No data on its allele frequency are available in population cohorts from the gnomAD database. Due to the unusual nature of the variant—a deletion of 82 nucleotides in the region of the acceptor splice site of exon 39—no bioinformatic predictions regarding its impact on splicing are available. However, alternative splicing is conceivable and could potentially lead to premature mRNA degradation, which would be consistent with the disease mechanism of Calcium Release Deficiency Syndrome (CRDS). Nevertheless, classification of the RYR2 variant with respect to CRDS is not possible, as the gene–disease relationship has not been definitively established by ClinGen. (PM2_supporting)